The following is an entry in ClinVar:

ClinVar aggregate classification (germline): Uncertain significance (1 of 4 stars; one submission).

Conditions:
Developmental and epileptic encephalopathy, 54. Also called: Epileptic encephalopathy, early infantile, 54; HNRNPU-Related Neurodevelopmental Disorder. Identifiers: MedGen C4479319, MONDO:0033363, OMIM 617391.

Submission:

Labcorp Genetics (formerly Invitae), Labcorp
Classification: Uncertain significance for Developmental and epileptic encephalopathy, 54. Last evaluated: 2022-09-07. Review status: criteria provided, single submitter. Criteria: Invitae Variant Classification Sherloc (09022015). Collection method: clinical testing. Allele origin: germline.
Comment: This sequence change replaces leucine, which is neutral and non-polar, with valine, which is neutral and non-polar, at codon 106 of the HNRNPU protein (p.Leu106Val). This variant is not present in population databases (gnomAD no frequency). This variant has not been reported in the literature in individuals affected with HNRNPU-related conditions. Algorithms developed to predict the effect of missense changes on protein structure and function (SIFT, PolyPhen-2, Align-GVGD) all suggest that this variant is likely to be tolerated. Algorithms developed to predict the effect of sequence changes on RNA splicing suggest that this variant may create or strengthen a splice site. In summary, the available evidence is currently insufficient to determine the role of this variant in disease. Therefore, it has been classified as a Variant of Uncertain Significance.

NM_031844.3(HNRNPU):c.316C>G (p.Leu106Val)

Gene: HNRNPU (heterogeneous nuclear ribonucleoprotein U; minus strand). Cytogenetic location: 1q44.
Variant type: single nucleotide variant.
Coding change: c.316C>G on transcript NM_031844.3 (MANE Select); coding-DNA position 316, C replaced by G.
Protein change: p.Leu106Val; replaces leucine 106 with valine.
Molecular consequence: missense variant.
Genome position (GRCh38, 1-based): chr1:244,863,992, G>C on the plus strand (C>G on the coding strand, the complement: HNRNPU is on the minus strand). VCF-style: chr1-244863992-G-C. GRCh37 (hg19) VCF-style: chr1-245027294-G-C.
Other names: c.316C>G, p.Leu106Val (NM_004501.3); short protein forms L106V.
Identifiers: ClinVar variation 2114857 (VCV002114857.4), dbSNP rs778359181, ClinGen allele CA345497390.
Genomic context (GRCh38, chr1:244,863,992, plus strand): 5'-CCTCCTCCTCCTCCATCGGGCCCGAGTCGGCCGCCCCCGCGGCCCCGTTCTCCTCTCCTA[G>C]CTCCATCTGGTCGCCGTCCAGAGCGGAGATTCCTTCCTCCTCCTCTTCCTCTTCCTCCTC-3'
Protein context (NP_114032.2, residues 96-116): ISALDGDQME[Leu106Val]GEENGAAGAA